The following is an entry in ClinVar:

ClinVar aggregate classification (germline): Uncertain significance (1 of 4 stars; one submission).

Submission:

Labcorp Genetics (formerly Invitae), Labcorp
Classification: Uncertain significance. Last evaluated: 2022-04-22. Review status: criteria provided, single submitter. Criteria: Invitae Variant Classification Sherloc (09022015). Collection method: clinical testing. Allele origin: germline.
Comment: In summary, the available evidence is currently insufficient to determine the role of this variant in disease. Therefore, it has been classified as a Variant of Uncertain Significance. Algorithms developed to predict the effect of missense changes on protein structure and function output the following: SIFT: "Tolerated"; PolyPhen-2: "Benign"; Align-GVGD: "Class C0". The serine amino acid residue is found in multiple mammalian species, which suggests that this missense change does not adversely affect protein function. This variant has not been reported in the literature in individuals affected with AGBL5-related conditions. This variant is not present in population databases (gnomAD no frequency). This sequence change replaces alanine, which is neutral and non-polar, with serine, which is neutral and polar, at codon 410 of the AGBL5 protein (p.Ala410Ser).

NM_021831.6(AGBL5):c.1228G>T (p.Ala410Ser)

Gene: AGBL5 (AGBL carboxypeptidase 5; plus strand). Cytogenetic location: 2p23.3.
Variant type: single nucleotide variant.
Coding change: c.1228G>T on transcript NM_021831.6 (MANE Select); coding-DNA position 1228, G replaced by T.
Protein change: p.Ala410Ser; replaces alanine 410 with serine.
Molecular consequence: missense variant. On other transcripts: non-coding transcript variant (2).
Genome position (GRCh38, 1-based): chr2:27,056,001, G>T. VCF-style: chr2-27056001-G-T. GRCh37 (hg19) VCF-style: chr2-27278869-G-T.
Other names: c.1228G>T, p.Ala410Ser (NM_001035506.1, NM_001035507.3); short protein forms A410S.
Identifiers: ClinVar variation 1939003 (VCV001939003.5), dbSNP rs1668411431, ClinGen allele CA346180215.